The following is an entry in ClinVar:

ClinVar aggregate classification (germline): Pathogenic (1 of 4 stars; one submission).

Conditions:
Progressive sclerosing poliodystrophy (MTDPS4A). Also called: Mitochondrial DNA depletion syndrome 4A (Alpers type); ALPERS PROGRESSIVE INFANTILE POLIODYSTROPHY; NEURONAL DEGENERATION OF CHILDHOOD WITH LIVER DISEASE, PROGRESSIVE; Alpers Syndrome; ALPERS DIFFUSE DEGENERATION OF CEREBRAL GRAY MATTER WITH HEPATIC CIRRHOSIS; Alpers-Huttenlocher Syndrome. Identifiers: Orphanet 726, MedGen C0205710, MONDO:0008758, OMIM 203700.

Submission:

Labcorp Genetics (formerly Invitae), Labcorp
Classification: Pathogenic for Progressive sclerosing poliodystrophy. Last evaluated: 2025-03-03. Review status: criteria provided, single submitter. Criteria: Invitae Variant Classification Sherloc (09022015). Collection method: clinical testing. Allele origin: germline.
Comment: This sequence change creates a premature translational stop signal (p.Cys913Alafs*7) in the POLG gene. It is expected to result in an absent or disrupted protein product. Loss-of-function variants in POLG are known to be pathogenic (PMID: 18546365). This variant is not present in population databases (gnomAD no frequency). This variant has not been reported in the literature in individuals affected with POLG-related conditions. For these reasons, this variant has been classified as Pathogenic.

Literature cited by the submitters: PubMed 18546365.

NM_002693.3(POLG):c.2737del (p.Cys913fs)

Gene: POLG (DNA polymerase gamma, catalytic subunit; minus strand). Cytogenetic location: 15q26.1.
Variant type: Deletion.
Coding change: c.2737del on transcript NM_002693.3 (MANE Select); coding-DNA position 2737, one base deleted (T; older notation c.2737delT).
Protein change: p.Cys913fs; shifts the reading frame from cysteine 913.
Molecular consequence: frameshift variant.
Genome position (GRCh38, 1-based): chr15:89,321,010, A deleted on the plus strand (T on the coding strand, the reverse complement: POLG is on the minus strand). VCF-style (leftmost placement, unchanged base first): chr15-89321009-CA-C. GRCh37 (hg19) VCF-style: chr15-89864240-CA-C.
Other names: c.2737del, p.Cys913fs (NM_001126131.2); short protein forms C913fs.
Identifiers: ClinVar variation 4714227 (VCV004714227.1).